The following is an entry in ClinVar:

NM_005120.3(MED12):c.1386G>T (p.Val462=)

Genes: MED12 (mediator complex subunit 12; plus strand), LOC126863275 (BRD4-independent group 4 enhancer GRCh37_chrX:70342400-70343599; plus strand). Cytogenetic location: Xq13.1.
Variant type: single nucleotide variant.
Coding change: c.1386G>T on transcript NM_005120.3 (MANE Select); coding-DNA position 1386, G replaced by T.
Protein change: p.Val462=; no amino-acid change (valine 462 retained).
Molecular consequence: synonymous variant.
Genome position (GRCh38, 1-based): chrX:71,122,775, G>T. VCF-style: chrX-71122775-G-T. GRCh37 (hg19) VCF-style: chrX-70342625-G-T.
Other names: p.Val462=.
Identifiers: ClinVar variation 213621 (VCV000213621.22), dbSNP rs186153976, ClinGen allele CA321183.

ClinVar aggregate classification (germline): Benign/Likely benign. Review status: criteria provided, multiple submitters, no conflicts (2 of 4 stars). 6 submissions from 6 submitters: Benign (5); Likely benign (1). Last evaluated 2026-01-20.

Conditions:
FG syndrome (FGS). Identifiers: MedGen C0220769, MONDO:0002010.
Familial thoracic aortic aneurysm and aortic dissection (TAAD). Also called: Thoracic aortic aneurysms and dissections. Identifiers: Orphanet 91387, MedGen C4707243, MONDO:0019625.

Allele frequency attached by ClinVar (database versions not stated): ESP Exome Variant Server 0.00183; gnomAD 0.00206 and 0.00216; TOPMed 0.00207; gnomAD exomes 0.00057; ExAC 0.00076; 1000 Genomes Project 0.00371; 1000 Genomes Project 30x 0.00416.
gnomAD v4.1: 435 of 1,209,861 alleles (0.036%); highest among the groups gnomAD compares: African/African-American, 0.71%; 2 homozygotes.

Submissions (6):

Labcorp Genetics (formerly Invitae), Labcorp
Classification: Benign for FG syndrome. Last evaluated: 2026-01-20. Review status: criteria provided, single submitter. Criteria: Invitae Variant Classification Sherloc (09022015). Collection method: clinical testing. Allele origin: germline.

Blueprint Genetics
Classification: Likely benign. Last evaluated: 2024-07-14. Review status: criteria provided, single submitter. Criteria: ACMG Guidelines, 2015. Collection method: clinical testing. Allele origin: germline.

Mayo Clinic Laboratories, Mayo Clinic
Classification: Benign. Last evaluated: 2023-01-26. Review status: criteria provided, single submitter. Criteria: ACMG Guidelines, 2015. Collection method: clinical testing. Allele origin: germline. Observed: 2 variant alleles.
Comment: BS1, BS2, BP4, BP7

Eurofins Ntd Llc (ga)
Classification: Benign. Last evaluated: 2017-03-09. Review status: criteria provided, single submitter. Criteria: EGL Classification Definitions 2015. Collection method: clinical testing. Allele origin: germline. Observed: 1 variant allele, 1 heterozygote.

Ambry Genetics
Classification: Benign for Familial thoracic aortic aneurysm and aortic dissection. Last evaluated: 2017-01-17. Review status: criteria provided, single submitter. Criteria: Ambry Variant Classification Scheme 2023. Collection method: clinical testing. Allele origin: germline.

GeneDx
Classification: Benign. Last evaluated: 2014-07-29. Review status: criteria provided, single submitter. Criteria: GeneDx Variant Classification (06012015). Collection method: clinical testing. Allele origin: germline. Affected: yes.
Comment: This variant is considered likely benign or benign based on one or more of the following criteria: it is a conservative change, it occurs at a poorly conserved position in the protein, it is predicted to be benign by multiple in silico algorithms, and/or has population frequency not consistent with disease.